The following is an entry in ClinVar:

NM_000400.4(ERCC2):c.1984C>G (p.Gln662Glu)

Gene: ERCC2 (ERCC excision repair 2, TFIIH core complex helicase subunit; minus strand). Cytogenetic location: 19q13.32.
Variant type: single nucleotide variant.
Coding change: c.1984C>G on transcript NM_000400.4 (MANE Select); coding-DNA position 1984, C replaced by G.
Protein change: p.Gln662Glu; replaces glutamine 662 with glutamic acid.
Molecular consequence: missense variant.
Genome position (GRCh38, 1-based): chr19:45,352,568, G>C on the plus strand (C>G on the coding strand, the complement: ERCC2 is on the minus strand). VCF-style: chr19-45352568-G-C. GRCh37 (hg19) VCF-style: chr19-45855826-G-C.
Other names: short protein forms Q662E.
Identifiers: ClinVar variation 3231668 (VCV003231668.1), dbSNP rs778479250, ClinGen allele CA406363121.

ClinVar aggregate classification (germline): Uncertain significance (1 of 4 stars; one submission).

Conditions:
Inborn genetic diseases. Identifiers: MedGen C0950123, MeSH D030342.

Submission:

Ambry Genetics
Classification: Uncertain significance for Inborn genetic diseases. Last evaluated: 2024-01-27. Review status: criteria provided, single submitter. Criteria: Ambry Variant Classification Scheme 2023. Collection method: clinical testing. Allele origin: germline.
Comment: The p.Q662E variant (also known as c.1984C>G), located in coding exon 21 of the ERCC2 gene, results from a C to G substitution at nucleotide position 1984. The glutamine at codon 662 is replaced by glutamic acid, an amino acid with highly similar properties. This amino acid position is conserved. In addition, this alteration is predicted to be deleterious by in silico analysis. Based on the available evidence, the clinical significance of this alteration remains unclear.